The following is an entry in ClinVar:

NM_058195.4(CDKN2A):c.161G>A (p.Arg54His)

Gene: CDKN2A (cyclin dependent kinase inhibitor 2A; minus strand). Cytogenetic location: 9p21.3.
Variant type: single nucleotide variant.
Coding change: c.161G>A on transcript NM_058195.4 (MANE Plus Clinical); coding-DNA position 161, G replaced by A.
Protein change: p.Arg54His; replaces arginine 54 with histidine.
Molecular consequence: missense variant. On other transcripts: intron variant (1).
Genome position (GRCh38, 1-based): chr9:21,994,171, C>T on the plus strand (G>A on the coding strand, the complement: CDKN2A is on the minus strand). VCF-style: chr9-21994171-C-T. GRCh37 (hg19) VCF-style: chr9-21994170-C-T.
Other names: c.-4+650G>A (NM_001363763.2); short protein forms R54H.
Identifiers: ClinVar variation 30044 (VCV000030044.5), dbSNP rs1587358254, ClinGen allele CA373086826.

ClinVar aggregate classification (germline): Uncertain significance. Review status: criteria provided, single submitter (1 of 4 stars). 2 submissions from 2 submitters: Uncertain significance (1). 1 of the submissions does not count toward it. Last evaluated 2021-08-09.

Conditions:
Hereditary cancer-predisposing syndrome. Also called: Neoplastic Syndromes, Hereditary; Tumor predisposition; Hereditary Cancer Syndrome; Hereditary neoplastic syndrome. Identifiers: Orphanet 140162, MedGen C0027672, MeSH D009386, MONDO:0015356.
Melanoma, cutaneous malignant, susceptibility to, 2 (CMM2). Also called: CDKN2A-Related Cutaneous Malignant Melanoma; Cutaneous malignant melanoma 2. Identifiers: Orphanet 618, MedGen C1835044, MONDO:0007964, OMIM 155601.

Submissions (2):

Ambry Genetics
Classification: Uncertain significance for Hereditary cancer-predisposing syndrome. Last evaluated: 2021-08-09. Review status: criteria provided, single submitter. Criteria: Ambry Variant Classification Scheme 2023. Collection method: clinical testing. Allele origin: germline.
Comment: The p.R54H variant (also known as c.161G>A), located in coding exon 1 of the CDKN2A (p14ARF) gene, results from a G to A substitution at nucleotide position 161. The arginine at codon 54 is replaced by histidine, an amino acid with highly similar properties. This amino acid position is well conserved in available vertebrate species. In addition, this alteration is predicted to be deleterious by in silico analysis. Since supporting evidence is limited at this time, the clinical significance of this alteration remains unclear.

OMIM
Classification: risk factor for MELANOMA, CUTANEOUS MALIGNANT, SUSCEPTIBILITY TO, 2. Last evaluated: 2010-06-01. Review status: no assertion criteria provided. Collection method: literature only. Allele origin: germline. Not counted in ClinVar's aggregate classification.

Literature cited by the submitters: PubMed 20132244 (cited by Ambry Genetics and OMIM); PubMed 33322357 (cited by Ambry Genetics).